The following is an entry in ClinVar:

NM_017952.6(PTCD3):c.716+4T>G

Gene: PTCD3 (pentatricopeptide repeat domain 3; plus strand). Cytogenetic location: 2p11.2.
Variant type: single nucleotide variant.
Coding change: c.716+4T>G on transcript NM_017952.6 (MANE Select); 4 bases into the intron after coding-DNA position 716, T replaced by G.
Molecular consequence: intron variant.
Genome position (GRCh38, 1-based): chr2:86,123,766, T>G. VCF-style: chr2-86123766-T-G. GRCh37 (hg19) VCF-style: chr2-86350889-T-G.
Identifiers: ClinVar variation 3043848 (VCV003043848.2), dbSNP rs2466556109, ClinGen allele CA2577024386.

ClinVar aggregate classification (germline): Likely benign (0 of 4 stars; one submission).

Conditions:
PTCD3-related disorder. Also called: PTCD3-related condition.

Submission:

PreventionGenetics, part of Exact Sciences
Classification: Likely benign for PTCD3-related condition. Last evaluated: 2020-12-09. Review status: no assertion criteria provided. Collection method: clinical testing. Allele origin: germline.
Comment: This variant is classified as likely benign based on ACMG/AMP sequence variant interpretation guidelines (Richards et al. 2015 PMID: 25741868, with internal and published modifications).